The following is an entry in ClinVar:

NM_152594.3(SPRED1):c.1219C>A (p.Leu407Met)

Gene: SPRED1 (sprouty related EVH1 domain containing 1; plus strand). Cytogenetic location: 15q14.
Variant type: single nucleotide variant.
Coding change: c.1219C>A on transcript NM_152594.3 (MANE Select); coding-DNA position 1219, C replaced by A.
Protein change: p.Leu407Met; replaces leucine 407 with methionine.
Molecular consequence: missense variant.
Genome position (GRCh38, 1-based): chr15:38,351,548, C>A. VCF-style: chr15-38351548-C-A. GRCh37 (hg19) VCF-style: chr15-38643749-C-A.
Other names: short protein forms L407M.
Identifiers: ClinVar variation 4615026 (VCV004615026.2).

ClinVar aggregate classification (germline): Uncertain significance. Review status: criteria provided, multiple submitters, no conflicts (2 of 4 stars). 2 submissions from 2 submitters: Uncertain significance (2). Last evaluated 2025-11-03.

Conditions:
Cardiovascular phenotype. Identifiers: MedGen CN230736.

gnomAD v4.1: 1 of 1,614,144 alleles (0.000062%); highest among the groups gnomAD compares: Non-Finnish European, 0.000085%; no homozygotes.

Submissions (2):

Ambry Genetics
Classification: Uncertain significance for Cardiovascular phenotype. Last evaluated: 2025-11-03. Review status: criteria provided, single submitter. Criteria: Ambry Variant Classification Scheme 2023. Collection method: clinical testing. Allele origin: germline.
Comment: The p.L407M variant (also known as c.1219C>A), located in coding exon 7 of the SPRED1 gene, results from a C to A substitution at nucleotide position 1219. The leucine at codon 407 is replaced by methionine, an amino acid with highly similar properties. This amino acid position is conserved. In addition, this alteration is predicted to be deleterious by in silico analysis. Based on the available evidence, the clinical significance of this variant remains unclear.

Blueprint Genetics
Classification: Uncertain significance. Last evaluated: 2017-08-29. Review status: criteria provided, single submitter. Criteria: ACMG Guidelines, 2015. Collection method: clinical testing. Allele origin: germline.